The following is an entry in ClinVar:

ClinVar aggregate classification (germline): other (0 of 4 stars; one submission).

Conditions:
Familial colorectal cancer. Identifiers: MedGen CN280943, MONDO:0023113. Disease mechanism: loss of function.

Submission:

Systems Biology Platform Zhejiang California International NanoSystems Institute
Classification: other for Familial colorectal cancer. Review status: no assertion criteria provided. Collection method: not provided. Allele origin: unknown.
ClinVar note: Converted during submission from cancer to other.

NM_000038.6(APC):c.136-1966T>A

Gene: APC (APC regulator of WNT signaling pathway; plus strand). Cytogenetic location: 5q22.2.
Variant type: single nucleotide variant.
Coding change: c.136-1966T>A on transcript NM_000038.6 (MANE Select); 1966 bases into the intron before coding-DNA position 136, T replaced by A.
Molecular consequence: intron variant.
Genome position (GRCh38, 1-based): chr5:112,764,360, T>A. VCF-style: chr5-112764360-T-A. GRCh37 (hg19) VCF-style: chr5-112100057-T-A.
Other names: c.136-1966T>A (NM_001354895.2, NM_001127510.3, NM_001354896.2 and 2 more transcripts); c.166-1966T>A (NM_001354897.2, NM_001354902.2, NM_001127511.3); c.61-1966T>A (NM_001354898.2, NM_001354904.2); c.-900-1966T>A (NM_001354906.2); c.-42-1966T>A (NM_001354900.2, NM_001354901.2, NM_001354905.2).
Identifiers: ClinVar variation 82860 (VCV000082860.2), dbSNP rs77626584, ClinGen allele CA004518.